The following is an entry in ClinVar:

ClinVar aggregate classification (germline): Uncertain significance. Review status: criteria provided, multiple submitters, no conflicts (2 of 4 stars). 2 submissions from 2 submitters: Uncertain significance (2). Last evaluated 2024-12-20.

Submissions (2):

Labcorp Genetics (formerly Invitae), Labcorp
Classification: Uncertain significance. Last evaluated: 2024-12-20. Review status: criteria provided, single submitter. Criteria: Invitae Variant Classification Sherloc (09022015). Collection method: clinical testing. Allele origin: germline.
Comment: This sequence change falls in intron 8 of the ALAS2 gene. It does not directly change the encoded amino acid sequence of the ALAS2 protein. It affects a nucleotide within the consensus splice site. This variant is not present in population databases (gnomAD no frequency). This variant has not been reported in the literature in individuals affected with ALAS2-related conditions. Variants that disrupt the consensus splice site are a relatively common cause of aberrant splicing (PMID: 17576681, 9536098). Algorithms developed to predict the effect of sequence changes on RNA splicing suggest that this variant is not likely to affect RNA splicing. In summary, the available evidence is currently insufficient to determine the role of this variant in disease. Therefore, it has been classified as a Variant of Uncertain Significance.

Revvity Omics, Revvity
Classification: Uncertain significance. Last evaluated: 2024-03-19. Review status: criteria provided, single submitter. Criteria: ACMG Guidelines, 2015. Collection method: clinical testing. Allele origin: germline.

Literature cited by the submitters: PubMed 17576681 (cited by Labcorp Genetics (formerly Invitae), Labcorp); PubMed 9536098 (cited by Labcorp Genetics (formerly Invitae), Labcorp).

NM_000032.5(ALAS2):c.1168+4A>C

Gene: ALAS2 (5'-aminolevulinate synthase 2; minus strand). Cytogenetic location: Xp11.21.
Variant type: single nucleotide variant.
Coding change: c.1168+4A>C on transcript NM_000032.5 (MANE Select); 4 bases into the intron after coding-DNA position 1168, A replaced by C.
Molecular consequence: intron variant.
Genome position (GRCh38, 1-based): chrX:55,015,574, T>G on the plus strand (A>C on the coding strand, the complement: ALAS2 is on the minus strand). VCF-style: chrX-55015574-T-G. GRCh37 (hg19) VCF-style: chrX-55042007-T-G.
Other names: c.1129+4A>C (NM_001037968.4); c.1057+4A>C (NM_001037967.4).
Identifiers: ClinVar variation 3684044 (VCV003684044.3).